The following is an entry in ClinVar:

ClinVar aggregate classification (germline): Conflicting classifications of pathogenicity. Review status: criteria provided, conflicting classifications (1 of 4 stars). 16 submissions from 16 submitters: Pathogenic (1); Likely pathogenic (3); Uncertain significance (10). 2 of the submissions do not count toward it. Last evaluated 2026-05-06.

Conditions:
Inborn genetic diseases. Identifiers: MedGen C0950123, MeSH D030342.
Wilson disease (WND). Also called: Wilson's disease. Identifiers: Orphanet 905, MedGen C0019202, MONDO:0010200, OMIM 277900. Disease mechanism: loss of function.

Allele frequency attached by ClinVar (database versions not stated): gnomAD 0.00006 and 0.00007; ESP Exome Variant Server 0.00008; gnomAD exomes 0.00008; TOPMed 0.00010; ExAC 0.00012.
gnomAD v4.1: 159 of 1,613,282 alleles (0.0099%); highest among the groups gnomAD compares: Non-Finnish European, 0.012%; no homozygotes.

Submissions (16):

Myriad Genetics, Inc.
Classification: Uncertain significance for Wilson disease. Last evaluated: 2026-05-06. Review status: criteria provided, single submitter. Criteria: Myriad Autosomal Dominant, Autosomal Recessive and X-Linked Classification Criteria (2023). Collection method: clinical testing. Allele origin: unknown.
Comment: NM_000053.3(ATP7B):c.2978C>T(T993M) is a missense variant classified as a variant of uncertain significance in the context of Wilson disease. T993M has been observed in cases with relevant disease (PMID: 23219664, Gennaio-Marzo 2012 (article), Morel_2026 (article)). Relevant functional assessments of this variant are not available in the literature. T993M has been observed in referenced population frequency databases. In summary, there is insufficient evidence to classify NM_000053.3(ATP7B):c.2978C>T(T993M) as pathogenic or benign. Please note: this variant was assessed in the context of healthy population screening.

OLLIN Analises Genomicas, OLLIN
Classification: Likely pathogenic for Wilson disease. Last evaluated: 2026-02-13. Review status: criteria provided, single submitter. Criteria: ACMG Guidelines 2015 PMID 25741868. Collection method: clinical testing. Allele origin: germline. Observed: 1 variant allele.
Comment: PM1, PM2_P, PM3, PP3_M

Labcorp Genetics (formerly Invitae), Labcorp
Classification: Pathogenic for Wilson disease. Last evaluated: 2026-01-28. Review status: criteria provided, single submitter. Criteria: Invitae Variant Classification Sherloc (09022015). Collection method: clinical testing. Allele origin: germline.
Comment: This sequence change replaces threonine, which is neutral and polar, with methionine, which is neutral and non-polar, at codon 993 of the ATP7B protein (p.Thr993Met). This variant is present in population databases (rs200290721, gnomAD 0.02%). This missense change has been observed in individual(s) with Wilson disease (PMID: 17949296, 23219664). In at least one individual the data is consistent with being in trans (on the opposite chromosome) from a pathogenic variant. This variant is also known as T993W. ClinVar contains an entry for this variant (Variation ID: 554771). Invitae Evidence Modeling of protein sequence and biophysical properties (such as structural, functional, and spatial information, amino acid conservation, physicochemical variation, residue mobility, and thermodynamic stability) indicates that this missense variant is expected to disrupt ATP7B protein function with a positive predictive value of 80%. For these reasons, this variant has been classified as Pathogenic.

Women's Health and Genetics/Laboratory Corporation of America, LabCorp
Classification: Likely pathogenic for Wilson disease. Last evaluated: 2025-08-15. Review status: criteria provided, single submitter. Criteria: LabCorp Variant Classification Summary - May 2015. Collection method: clinical testing. Allele origin: germline.
Comment: Variant summary: ATP7B c.2978C>T (p.Thr993Met) results in a non-conservative amino acid change in the encoded protein sequence. Algorithms developed to predict the effect of missense changes on protein structure and function all suggest that this variant is likely to be disruptive. The variant allele was found at a frequency of 8.5e-05 in 248286 control chromosomes. This frequency is not significantly higher than estimated for a pathogenic variant in ATP7B causing Wilson Disease (8.5e-05 vs 0.0054), allowing no conclusion about variant significance. c.2978C>T has been observed as a non-informative genotype (second allele/genotype not clearly specified) reported among Wilson Disease chromosomes (Lepori_2007, cited in Zappu_2008, Gialluisi_2013) and as a compound heterozygous genotype in one individual affected with clinically and biochemically consistent diagnosis of Wilson Disease (Loudianos_2013). These data do not allow any conclusion about variant significance. To our knowledge, no experimental evidence demonstrating an impact on protein function has been reported. The following publications have been ascertained in the context of this evaluation (PMID: 23486543, 17949296, 23219664, 18728530). ClinVar contains an entry for this variant (Variation ID: 554771). Based on the evidence outlined above, the variant was classified as likely pathogenic.

Dasa
Classification: Uncertain significance. Last evaluated: 2024-12-09. Review status: criteria provided, single submitter. Criteria: DASA Assertion Criteria. Collection method: clinical testing. Allele origin: germline.
Comment: NM_000053.4(ATP7B):c.2978C>T (p.Thr993Met) is a missense variant that results in the substitution of threonine with methionine. This variant has been observed in affected individuals with ATP7B-related disorders. Also, this variant is rare in population databases. Computational prediction algorithms are consistent with a deleterious effect. The currently available literature and clinical evidence are not sufficient to establish a definitive association between this variant and the reported condition. Therefore, this variant is classified as a variant of uncertain significance.

GeneDx
Classification: Uncertain significance. Last evaluated: 2024-11-20. Review status: criteria provided, single submitter. Criteria: GeneDx Variant Classification Process June 2021. Collection method: clinical testing. Allele origin: germline. Affected: yes.
Comment: In silico analysis supports that this missense variant has a deleterious effect on protein structure/function; Identified in two unrelated patients with bipolar disorder and schizophrenia (Sriretnakumar et al., 2019); This variant is associated with the following publications: (PMID: 22692182, 30556376, 34426522, 37937776, 39113473, 17949296, 18728530, 23219664)

All of Us Research Program, National Institutes of Health
Classification: Uncertain significance for Wilson disease. Last evaluated: 2024-09-23. Review status: criteria provided, single submitter. Criteria: ACMG Guidelines, 2015. Collection method: clinical testing. Allele origin: germline. Inheritance: Autosomal recessive inheritance. Observed: 30 variant alleles, 30 heterozygotes.
Comment: This missense variant replaces threonine with methionine at codon 993 of the ATP7B protein. Computational prediction suggests that this variant may have deleterious impact on protein structure and function (internally defined REVEL score threshold >= 0.7, PMID: 27666373). To our knowledge, functional studies have not been reported for this variant. This variant has been reported in individuals affected with Wilson disease (PMID: 17949296, 23219664). This variant has been identified in 24/279690 chromosomes in the general population by the Genome Aggregation Database (gnomAD). The available evidence is insufficient to determine the role of this variant in disease conclusively. Therefore, this variant is classified as a Variant of Uncertain Significance.

This study involves interpretation of variants in research participants for the purpose of population health screening. Participant phenotype was not available at the time of variant classification. Additional details can be found in publication PMID: 35346344, PMCID: PMC8962531

Fulgent Genetics
Classification: Uncertain significance for Wilson disease. Last evaluated: 2024-05-31. Review status: criteria provided, single submitter. Criteria: ACMG Guidelines, 2015. Collection method: clinical testing. Allele origin: germline.

Color Diagnostics, LLC DBA Color Health
Classification: Uncertain significance for Wilson disease. Last evaluated: 2022-08-02. Review status: criteria provided, single submitter. Criteria: ACMG Guidelines, 2015. Collection method: clinical testing. Allele origin: germline.
Comment: This missense variant replaces threonine with methionine at codon 993 of the ATP7B protein. Computational prediction suggests that this variant may have deleterious impact on protein structure and function. To our knowledge, functional studies have not been reported for this variant. This variant has been reported in individuals affected with Wilson disease (PMID: 17949296, 23219664). This variant has been identified in 24/279690 chromosomes in the general population by the Genome Aggregation Database (gnomAD). The available evidence is insufficient to determine the role of this variant in disease conclusively. Therefore, this variant is classified as a Variant of Uncertain Significance.

Mayo Clinic Laboratories, Mayo Clinic
Classification: Likely pathogenic. Last evaluated: 2022-07-26. Review status: criteria provided, single submitter. Criteria: ACMG Guidelines, 2015. Collection method: clinical testing. Allele origin: germline. Observed: 1 variant allele.
Comment: PP3, PP4, PM2, PM3

ARUP Laboratories, Molecular Genetics and Genomics, ARUP Laboratories
Classification: Uncertain significance for Wilson disease. Last evaluated: 2022-04-15. Review status: criteria provided, single submitter. Criteria: ARUP Molecular Germline Variant Investigation Process 2021. Collection method: clinical testing. Allele origin: germline.
Comment: The ATP7B c.2978C>T; p.Thr993Met variant (rs200290721) is reported in the literature in two individuals affected with Wilson disease, in one case on the opposite chromosome to a second pathogenic variant (Lepori 2007, Loudianos 2013). This variant is reported in ClinVar (Variation ID: 554771) and is absent from the Genome Aggregation Database, indicating it is not a common polymorphism. The threonine at codon 993 is highly conserved, and computational analyses predict that this variant is deleterious (REVEL: 0.865). Due to limited information, the clinical significance of the p.Thr993Met variant is uncertain at this time. References: Lepori et al. Twenty-four novel mutations in Wilson disease patients of predominantly Italian origin. Genet Test. 2007 Fall;11(3):328-32. PMID: 17949296. Loudianos G et al. Wilson's disease in two consecutive generations: the detection of three mutated alleles in the ATP7B gene in two Sardinian families. Dig Liver Dis. 2013 Apr;45(4):342-5. PMID: 23219664.

Genome-Nilou Lab
Classification: Uncertain significance for Wilson disease. Last evaluated: 2021-09-05. Review status: criteria provided, single submitter. Criteria: ACMG Guidelines, 2015. Collection method: clinical testing. Allele origin: germline. Affected: no.

Ambry Genetics
Classification: Uncertain significance for Inborn genetic diseases. Last evaluated: 2021-05-29. Review status: criteria provided, single submitter. Criteria: Ambry Variant Classification Scheme 2023. Collection method: clinical testing. Allele origin: germline.

CeGaT Center for Human Genetics Tuebingen
Classification: Uncertain significance. Last evaluated: 2020-10-01. Review status: criteria provided, single submitter. Criteria: CeGaT Center For Human Genetics Tuebingen Variant Classification Criteria Version 2. Collection method: clinical testing. Allele origin: germline. Affected: yes. Observed: 1 variant allele.

Natera, Inc.
Classification: Uncertain significance for Wilson disease. Last evaluated: 2020-03-13. Review status: no assertion criteria provided. Collection method: clinical testing. Allele origin: germline. Not counted in ClinVar's aggregate classification.

Counsyl
Classification: Uncertain significance for Wilson disease. Last evaluated: 2017-11-14. Review status: no assertion criteria provided. Collection method: clinical testing. Allele origin: unknown. Not counted in ClinVar's aggregate classification.

Literature cited by the submitters: PubMed 17949296 (cited by 6 submitters); PubMed 23219664 (cited by 6 submitters); PubMed 18728530 (cited by Women's Health and Genetics/Laboratory Corporation of America, LabCorp); PubMed 23486543 (cited by Women's Health and Genetics/Laboratory Corporation of America, LabCorp); PubMed 22692182 (cited by Mayo Clinic Laboratories, Mayo Clinic); PubMed 24798599 (cited by Mayo Clinic Laboratories, Mayo Clinic and Counsyl); PubMed 30556376 (cited by Mayo Clinic Laboratories, Mayo Clinic); PubMed 34426522 (cited by Mayo Clinic Laboratories, Mayo Clinic).

NM_000053.4(ATP7B):c.2978C>T (p.Thr993Met)

Gene: ATP7B (ATPase copper transporting beta; minus strand). Cytogenetic location: 13q14.3.
Variant type: single nucleotide variant.
Coding change: c.2978C>T on transcript NM_000053.4 (MANE Select); coding-DNA position 2978, C replaced by T.
Protein change: p.Thr993Met; replaces threonine 993 with methionine.
Molecular consequence: missense variant.
Genome position (GRCh38, 1-based): chr13:51,946,366, G>A on the plus strand (C>T on the coding strand, the complement: ATP7B is on the minus strand). VCF-style: chr13-51946366-G-A. GRCh37 (hg19) VCF-style: chr13-52520502-G-A.
Other names: p.Thr993Met; c.2357C>T, p.Thr786Met (NM_001005918.3); c.2645C>T, p.Thr882Met (NM_001243182.2); c.2744C>T, p.Thr915Met (NM_001330578.2); c.2726C>T, p.Thr909Met (NM_001330579.2); short protein forms T993M, T882M, T786M, T909M, T915M.
Identifiers: ClinVar variation 554771 (VCV000554771.67), dbSNP rs200290721, ClinGen allele CA6988850.